The following is an entry in ClinVar:

NM_024649.5(BBS1):c.346A>G (p.Lys116Glu)

Gene: BBS1 (Bardet-Biedl syndrome 1; plus strand). Cytogenetic location: 11q13.2.
Variant type: single nucleotide variant.
Coding change: c.346A>G on transcript NM_024649.5 (MANE Select); coding-DNA position 346, A replaced by G.
Protein change: p.Lys116Glu; replaces lysine 116 with glutamic acid.
Molecular consequence: missense variant.
Genome position (GRCh38, 1-based): chr11:66,514,592, A>G. VCF-style: chr11-66514592-A-G. GRCh37 (hg19) VCF-style: chr11-66282063-A-G.
Other names: short protein forms K116E.
Identifiers: ClinVar variation 3658316 (VCV003658316.3).

ClinVar aggregate classification (germline): Uncertain significance. Review status: criteria provided, multiple submitters, no conflicts (2 of 4 stars). 2 submissions from 2 submitters: Uncertain significance (2). Last evaluated 2024-06-30.

Conditions:
Bardet-Biedl syndrome (BBS). Identifiers: Orphanet 110, MedGen C0752166, MONDO:0015229.

Submissions (2):

Labcorp Genetics (formerly Invitae), Labcorp
Classification: Uncertain significance for Bardet-Biedl syndrome. Last evaluated: 2024-06-30. Review status: criteria provided, single submitter. Criteria: Invitae Variant Classification Sherloc (09022015). Collection method: clinical testing. Allele origin: germline.
Comment: This sequence change replaces lysine, which is basic and polar, with glutamic acid, which is acidic and polar, at codon 116 of the BBS1 protein (p.Lys116Glu). This variant is present in population databases (rs778530784, gnomAD 0.003%). This variant has not been reported in the literature in individuals affected with BBS1-related conditions. Advanced modeling of protein sequence and biophysical properties (such as structural, functional, and spatial information, amino acid conservation, physicochemical variation, residue mobility, and thermodynamic stability) performed at Invitae indicates that this missense variant is expected to disrupt BBS1 protein function with a positive predictive value of 80%. In summary, the available evidence is currently insufficient to determine the role of this variant in disease. Therefore, it has been classified as a Variant of Uncertain Significance.

Blueprint Genetics
Classification: Uncertain significance. Last evaluated: 2024-05-21. Review status: criteria provided, single submitter. Criteria: ACMG Guidelines, 2015. Collection method: clinical testing. Allele origin: germline.